The following is an entry in ClinVar:

NM_005458.8(GABBR2):c.1066G>A (p.Gly356Arg)

Gene: GABBR2 (gamma-aminobutyric acid type B receptor subunit 2; minus strand). Cytogenetic location: 9q22.33.
Variant type: single nucleotide variant.
Coding change: c.1066G>A on transcript NM_005458.8 (MANE Select); coding-DNA position 1066, G replaced by A.
Protein change: p.Gly356Arg; replaces glycine 356 with arginine.
Molecular consequence: missense variant.
Genome position (GRCh38, 1-based): chr9:98,454,151, C>T on the plus strand (G>A on the coding strand, the complement: GABBR2 is on the minus strand). VCF-style: chr9-98454151-C-T. GRCh37 (hg19) VCF-style: chr9-101216433-C-T.
Other names: short protein forms G356R.
Identifiers: ClinVar variation 3280379 (VCV003280379.1).

ClinVar aggregate classification (germline): Uncertain significance (1 of 4 stars; one submission).

Conditions:
Inborn genetic diseases. Identifiers: MedGen C0950123, MeSH D030342.

Submission:

Ambry Genetics
Classification: Uncertain significance for Inborn genetic diseases. Last evaluated: 2024-05-02. Review status: criteria provided, single submitter. Criteria: Ambry Variant Classification Scheme 2023. Collection method: clinical testing. Allele origin: germline.
Comment: The c.1066G>A (p.G356R) alteration is located in exon 7 (coding exon 7) of the GABBR2 gene. This alteration results from a G to A substitution at nucleotide position 1066, causing the glycine (G) at amino acid position 356 to be replaced by an arginine (R). This variant was not reported in population-based cohorts in the Genome Aggregation Database (gnomAD). This amino acid position is highly conserved in available vertebrate species. This alteration is predicted to be deleterious by in silico analysis. Based on insufficient or conflicting evidence, the clinical significance of this alteration remains unclear.